The following is an entry in ClinVar:

ClinVar aggregate classification (germline): Uncertain significance (1 of 4 stars; one submission).

gnomAD v4.1: 1 of 1,614,172 alleles (0.000062%); highest among the groups gnomAD compares: Admixed American, 0.0017%; no homozygotes.

Submission:

GeneDx
Classification: Uncertain significance. Last evaluated: 2023-07-19. Review status: criteria provided, single submitter. Criteria: GeneDx Variant Classification Process June 2021. Collection method: clinical testing. Allele origin: germline. Affected: yes.
Comment: In silico analysis supports that this missense variant does not alter protein structure/function; Has not been previously published as pathogenic or benign to our knowledge

NM_000168.6(GLI3):c.4581C>G (p.Ile1527Met)

Gene: GLI3 (GLI family zinc finger 3; minus strand). Cytogenetic location: 7p14.1.
Variant type: single nucleotide variant.
Coding change: c.4581C>G on transcript NM_000168.6 (MANE Select); coding-DNA position 4581, C replaced by G.
Protein change: p.Ile1527Met; replaces isoleucine 1527 with methionine.
Molecular consequence: missense variant.
Genome position (GRCh38, 1-based): chr7:41,964,492, G>C on the plus strand (C>G on the coding strand, the complement: GLI3 is on the minus strand). VCF-style: chr7-41964492-G-C. GRCh37 (hg19) VCF-style: chr7-42004090-G-C.
Other names: short protein forms I1527M.
Identifiers: ClinVar variation 3361431 (VCV003361431.1).
Genomic context (GRCh38, chr7:41,964,492, plus strand): 5'-GAATGGGAGGGACGCCCGAGGCGTGGTGAGGCGGGAGGAGCTATGGGAAAGGTTCTGAAT[G>C]ATACTTGGGCTCAGGGCCCCCGACATCAGGCTGGAGTGGTCCCCATCGTCTATGATGGCA-3'
Protein context (NP_000159.3, residues 1517-1537): SLMSGALSPS[Ile1527Met]IQNLSHSSSR